The following is an entry in ClinVar:

ClinVar aggregate classification (germline): Uncertain significance. Review status: criteria provided, multiple submitters, no conflicts (2 of 4 stars). 2 submissions from 2 submitters: Uncertain significance (2). Last evaluated 2025-06-17.

Conditions:
Hereditary sensory and autonomic neuropathy type 6. Also called: HSAN VI; Neuropathy, hereditary sensory and autonomic, type VI. Identifiers: Orphanet 314381, MedGen C3539003, MONDO:0013839, OMIM 614653.
Epidermolysis bullosa simplex 3, localized or generalized intermediate, with BP230 deficiency (EBS3). Also called: Epidermolysis bullosa simplex, autosomal recessive 2; Epidermolysis bullosa simplex due to BP230 deficiency. Identifiers: Orphanet 412181, MedGen C3809470, MONDO:0014180, OMIM 615425.

Allele frequency attached by ClinVar (database versions not stated): gnomAD exomes 0.00002; gnomAD 0.00009 and 0.00011; TOPMed 0.00013; 1000 Genomes Project 30x 0.00016; 1000 Genomes Project 0.00020.
gnomAD v4.1: 28 of 1,614,026 alleles (0.0017%); highest among the groups gnomAD compares: African/African-American, 0.033%; no homozygotes.

Submissions (2):

GeneDx
Classification: Uncertain significance. Last evaluated: 2025-06-17. Review status: criteria provided, single submitter. Criteria: GeneDx Variant Classification Process June 2021. Collection method: clinical testing. Allele origin: germline. Affected: yes.
Comment: In silico analysis suggests that this missense variant does not alter protein structure/function; Has not been previously published as pathogenic or benign to our knowledge; Reported using the transcript encoding the epithelial isoform of the gene

Labcorp Genetics (formerly Invitae), Labcorp
Classification: Uncertain significance for Epidermolysis bullosa simplex 3, localized or generalized intermediate, with BP230 deficiency; Hereditary sensory and autonomic neuropathy type 6. Last evaluated: 2023-10-03. Review status: criteria provided, single submitter. Criteria: Invitae Variant Classification Sherloc (09022015). Collection method: clinical testing. Allele origin: germline.
Comment: This sequence change replaces valine, which is neutral and non-polar, with isoleucine, which is neutral and non-polar, at codon 2122 of the DST protein (p.Val2122Ile). This variant is present in population databases (rs142924369, gnomAD 0.03%). This variant has not been reported in the literature in individuals affected with DST-related conditions. ClinVar contains an entry for this variant (Variation ID: 1415160). An algorithm developed to predict the effect of missense changes on protein structure and function (PolyPhen-2) suggests that this variant¬†is likely to be tolerated. In summary, the available evidence is currently insufficient to determine the role of this variant in disease. Therefore, it has been classified as a Variant of Uncertain Significance.

NM_001723.7(DST):c.6364G>A (p.Val2122Ile)

Gene: DST (dystonin; minus strand). Cytogenetic location: 6p12.1.
Variant type: single nucleotide variant.
Coding change: c.6364G>A on transcript NM_001723.7 (MANE Plus Clinical); coding-DNA position 6364, G replaced by A.
Protein change: p.Val2122Ile; replaces valine 2122 with isoleucine.
Molecular consequence: missense variant. On other transcripts: intron variant (10).
Genome position (GRCh38, 1-based): chr6:56,617,103, C>T on the plus strand (G>A on the coding strand, the complement: DST is on the minus strand). VCF-style: chr6-56617103-C-T. GRCh37 (hg19) VCF-style: chr6-56481901-C-T.
Other names: c.6364G>A (NM_001723.5); c.4831-2619G>A (NM_001144769.5); c.4930-2619G>A (NM_001374722.1, NM_001374736.1); c.4957-2619G>A (NM_001374734.1); c.4417-2619G>A (NM_001144770.2); c.4297-2619G>A (NM_001374730.1, NM_001386100.1, NM_183380.4 and 1 more transcripts); c.3319-2619G>A (NM_015548.5); short protein forms V2122I.
Identifiers: ClinVar variation 1415160 (VCV001415160.5), dbSNP rs142924369, ClinGen allele CA139208159.
Genomic context (GRCh38, chr6:56,617,103, plus strand): 5'-GCCCTGCAATTGAGGTGGCTTTCGTCAGAAACTTGTTAAGAGTTTTCTGAACTTCTTCAA[C>T]AGTCTTAAGACCGAGTCGCAGCTGCTCAATTGTTCTCATGTCCAGAAGCTTAGCTTCCAC-3'
Protein context (NP_001714.1, residues 2112-2132): IEQLRLGLKT[Val2122Ile]EEVQKTLNKF